The following is an entry in ClinVar:

ClinVar aggregate classification (germline): Pathogenic (1 of 4 stars; one submission).

Conditions:
Hereditary cancer-predisposing syndrome. Also called: Neoplastic Syndromes, Hereditary; Tumor predisposition; Hereditary Cancer Syndrome; Hereditary neoplastic syndrome. Identifiers: Orphanet 140162, MedGen C0027672, MeSH D009386, MONDO:0015356.

Submission:

Ambry Genetics
Classification: Pathogenic for Hereditary cancer-predisposing syndrome. Last evaluated: 2022-08-26. Review status: criteria provided, single submitter. Criteria: Ambry Variant Classification Scheme 2023. Collection method: clinical testing. Allele origin: germline.
Comment: The c.693_694delCCinsTT pathogenic mutation (also known as p.R232*), located in coding exon 8 of the RAD51D gene, results from an in-frame deletion of CC and insertion of TT at nucleotide positions 693 to 694. This changes the amino acid from an arginine to a stop codon within coding exon 8. A different alteration, c.694C>T (p.R232*), has been identified in several patients diagnosed with ovarian carcinoma with a family history of breast and/or ovarian cancer (Wickramanayake A et al. Gynecol. Oncol. 2012 Dec;127:552-5; Guti&eacute;rrez-Enr&iacute;quez S et al. Int. J. Cancer. 2014 May;134:2088-97; S&aacute;nchez-Berm&uacute;dez AI et al. Eur J Med Genet 2018 Jun;61:355-361). The c.693_694delCCinsTT alteration is expected to result in loss of function by premature protein truncation or nonsense-mediated mRNA decay. As such, this alteration is interpreted as a disease-causing mutation.

NM_002878.4(RAD51D):c.693_694delinsTT (p.Arg232Ter)

Genes: RAD51D (RAD51 paralog D; minus strand), RAD51L3-RFFL (RAD51L3-RFFL readthrough; minus strand). Cytogenetic location: 17q12.
Variant type: Indel.
Coding change: c.693_694delinsTT on transcript NM_002878.4 (MANE Select); coding-DNA positions 693 to 694, CC replaced by TT.
Protein change: p.Arg232Ter; replaces arginine 232 with a stop codon.
Molecular consequence: nonsense. On other transcripts: non-coding transcript variant (3).
Genome position (GRCh38, 1-based): chr17:35,103,298-35,103,299, GG replaced by AA on the plus strand (CC replaced by TT on the coding strand, the reverse complement: RAD51D is on the minus strand). VCF-style: chr17-35103298-GG-AA. GRCh37 (hg19) VCF-style: chr17-33430317-GG-AA.
Other names: c.753_754delinsTT, p.Arg252Ter (NM_001142571.2); c.357_358delinsTT, p.Arg120Ter (NM_133629.3); short protein forms R120*, R252*, R232*.
Identifiers: ClinVar variation 1756210 (VCV001756210.2), dbSNP rs2509129015, ClinGen allele CA2580093465.